The following is an entry in ClinVar:

ClinVar aggregate classification (germline): Uncertain significance (1 of 4 stars; one submission).

Submission:

Labcorp Genetics (formerly Invitae), Labcorp
Classification: Uncertain significance. Last evaluated: 2022-07-21. Review status: criteria provided, single submitter. Criteria: Invitae Variant Classification Sherloc (09022015). Collection method: clinical testing. Allele origin: germline.
Comment: In summary, the available evidence is currently insufficient to determine the role of this variant in disease. Therefore, it has been classified as a Variant of Uncertain Significance. Algorithms developed to predict the effect of missense changes on protein structure and function (SIFT, PolyPhen-2, Align-GVGD) all suggest that this variant is likely to be tolerated. This sequence change replaces alanine, which is neutral and non-polar, with glutamic acid, which is acidic and polar, at codon 254 of the IRF2BP2 protein (p.Ala254Glu). This variant is not present in population databases (gnomAD no frequency). This variant has not been reported in the literature in individuals affected with IRF2BP2-related conditions.

NM_182972.3(IRF2BP2):c.761C>A (p.Ala254Glu)

Gene: IRF2BP2 (interferon regulatory factor 2 binding protein 2; minus strand). Cytogenetic location: 1q42.3.
Variant type: single nucleotide variant.
Coding change: c.761C>A on transcript NM_182972.3 (MANE Select); coding-DNA position 761, C replaced by A.
Protein change: p.Ala254Glu; replaces alanine 254 with glutamic acid.
Molecular consequence: missense variant.
Genome position (GRCh38, 1-based): chr1:234,608,734, G>T on the plus strand (C>A on the coding strand, the complement: IRF2BP2 is on the minus strand). VCF-style: chr1-234608734-G-T. GRCh37 (hg19) VCF-style: chr1-234744480-G-T.
Other names: c.761C>A, p.Ala254Glu (NM_001077397.1); short protein forms A254E.
Identifiers: ClinVar variation 1897963 (VCV001897963.5), dbSNP rs11502, ClinGen allele CA345308597.